The following is an entry in ClinVar:

ClinVar aggregate classification (germline): Likely pathogenic (1 of 4 stars; one submission).

Conditions:
Intellectual developmental disorder, autosomal dominant 43. Also called: Intellectual disability, autosomal dominant 43. Identifiers: MedGen C4707429, MONDO:0014858, OMIM 616977.

Submission:

Department of Pediatrics, Division of Medical Genetics, Faculty of Medicine Ramathibodi Hospital, Mahidol University
Classification: Likely pathogenic for Intellectual developmental disorder, autosomal dominant 43. Last evaluated: 2026-03-04. Review status: criteria provided, single submitter. Criteria: ACMG Guidelines, 2015. Collection method: research. Allele origin: germline. Inheritance: Autosomal dominant inheritance. Affected: yes. Observed: 1 variant allele, 1 heterozygote.
Comment: A heterozygous c.3443C>A variant in the HIVEP2 gene was identified. In silico prediction tools indicate that this variant may affect protein function. This variant has not been reported in population-based cohorts, including the Genome Aggregation Database (gnomAD). This variant classified as Likely-Pathogenic with ACMG score PVS1, PM2

NM_006734.4(HIVEP2):c.3443C>A (p.Ser1148Ter)

Gene: HIVEP2 (HIVEP zinc finger 2; minus strand). Cytogenetic location: 6q24.2.
Variant type: single nucleotide variant.
Coding change: c.3443C>A on transcript NM_006734.4 (MANE Select); coding-DNA position 3443, C replaced by A.
Protein change: p.Ser1148Ter; replaces serine 1148 with a stop codon.
Molecular consequence: nonsense.
Genome position (GRCh38, 1-based): chr6:142,771,296, G>T on the plus strand (C>A on the coding strand, the complement: HIVEP2 is on the minus strand). VCF-style: chr6-142771296-G-T. GRCh37 (hg19) VCF-style: chr6-143092433-G-T.
Other names: c.3443C>A, p.Ser1148Ter (NM_001438449.1, NM_001438450.1, NM_001438451.1); short protein forms S1148*.
Identifiers: ClinVar variation 4813505 (VCV004813505.1).